The following is an entry in ClinVar:

NM_000138.5(FBN1):c.1208C>T (p.Pro403Leu)

Gene: FBN1 (fibrillin 1; minus strand). Cytogenetic location: 15q21.1.
Variant type: single nucleotide variant.
Coding change: c.1208C>T on transcript NM_000138.5 (MANE Select); coding-DNA position 1208, C replaced by T.
Protein change: p.Pro403Leu; replaces proline 403 with leucine.
Molecular consequence: missense variant.
Genome position (GRCh38, 1-based): chr15:48,516,302, G>A on the plus strand (C>T on the coding strand, the complement: FBN1 is on the minus strand). VCF-style: chr15-48516302-G-A. GRCh37 (hg19) VCF-style: chr15-48808499-G-A.
Other names: short protein forms P403L.
Identifiers: ClinVar variation 450997 (VCV000450997.2), dbSNP rs1555400426, ClinGen allele CA392345617.

ClinVar aggregate classification (germline): Uncertain significance (1 of 4 stars; one submission).

Submission:

GeneDx
Classification: Uncertain significance. Last evaluated: 2017-07-27. Review status: criteria provided, single submitter. Criteria: GeneDx Variant Classification (06012015). Collection method: clinical testing. Allele origin: germline. Affected: yes.
Comment: A variant of uncertain significance has been identified in the FBN1 gene. The P403L variant has not been published as pathogenic or been reported as benign to our knowledge. This variant is not observed in large population cohorts (Lek et al., 2016; 1000 Genomes Consortium et al., 2015; Exome Variant Server). The P403L variant is a semi-conservative amino acid substitution, which may impact secondary protein structure as these residues differ in some properties. Although in silico analysis predicts this variant is probably damaging to the protein structure/function, this substitution occurs at a position that is not conserved and leucine (L) is tolerated at this position in several species. Furthermore, the P403L variant does not affect a cysteine residue within a calcium-binding EGF-like domain of the FBN1 gene. Cysteine substitutions in the calcium-binding EGF-like domains represent the majority of pathogenic missense changes associated with FBN1-related disorders (Collod-Beroud et al., 2003).